The following is an entry in ClinVar:

NM_001161352.2(KCNMA1):c.3148A>G (p.Thr1050Ala)

Genes: KCNMA1-AS1 (KCNMA1 antisense RNA 1; plus strand), KCNMA1 (potassium calcium-activated channel subfamily M alpha 1; minus strand). Cytogenetic location: 10q22.3.
Variant type: single nucleotide variant.
Coding change: c.3148A>G on transcript NM_001161352.2 (MANE Select); coding-DNA position 3148, A replaced by G.
Protein change: p.Thr1050Ala; replaces threonine 1050 with alanine.
Molecular consequence: missense variant.
Genome position (GRCh38, 1-based): chr10:76,891,719, T>C on the plus strand (A>G on the coding strand, the complement: KCNMA1 is on the minus strand). VCF-style: chr10-76891719-T-C. GRCh37 (hg19) VCF-style: chr10-78651477-T-C.
Other names: c.2986A>G, p.Thr996Ala (NM_001014797.3); c.3097A>G, p.Thr1033Ala (NM_001161353.2); c.2824A>G, p.Thr942Ala (NM_001271518.2); c.3064A>G, p.Thr1022Ala (NM_001271519.2); c.2983A>G, p.Thr995Ala (NM_001322829.2, NM_001322836.2); c.3076A>G, p.Thr1026Ala (NM_001322830.2); c.2974A>G, p.Thr992Ala (NM_001322832.2, NM_002247.4); c.3067A>G, p.Thr1023Ala (NM_001322835.2, NM_001322837.2); and 1 more; short protein forms T1022A, T1023A, T1050A, T841A, T992A, T995A, T1026A, T1033A.
Identifiers: ClinVar variation 1424867 (VCV001424867.6), dbSNP rs2040120292, ClinGen allele CA377403692.

ClinVar aggregate classification (germline): Uncertain significance (1 of 4 stars; one submission).

Conditions:
Generalized epilepsy-paroxysmal dyskinesia syndrome (PNKD3). Also called: Paroxysmal nonkinesigenic dyskinesia, 3, with or without generalized epilepsy; Generalized epilepsy and paroxysmal dyskinesia. Identifiers: Orphanet 79137, MedGen C5574945, MONDO:0012276, OMIM 609446.

Allele frequency attached by ClinVar (database versions not stated): TOPMed below 0.00001; gnomAD 0.00001.
gnomAD v4.1: 1 of 1,613,320 alleles (0.000062%); highest among the groups gnomAD compares: Non-Finnish European, 0.000085%; no homozygotes.

Submission:

Labcorp Genetics (formerly Invitae), Labcorp
Classification: Uncertain significance for Generalized epilepsy-paroxysmal dyskinesia syndrome. Last evaluated: 2021-11-06. Review status: criteria provided, single submitter. Criteria: Invitae Variant Classification Sherloc (09022015). Collection method: clinical testing. Allele origin: germline.
Comment: This sequence change replaces threonine, which is neutral and polar, with alanine, which is neutral and non-polar, at codon 992 of the KCNMA1 protein (p.Thr992Ala). This variant is not present in population databases (gnomAD no frequency). This variant has not been reported in the literature in individuals affected with KCNMA1-related conditions. Algorithms developed to predict the effect of missense changes on protein structure and function are either unavailable or do not agree on the potential impact of this missense change (SIFT: "Deleterious"; PolyPhen-2: "Benign"; Align-GVGD: "Class C55"). In summary, the available evidence is currently insufficient to determine the role of this variant in disease. Therefore, it has been classified as a Variant of Uncertain Significance.